The following is an entry in ClinVar:

NM_001256071.3(RNF213):c.5947C>T (p.Arg1983Trp)

Gene: RNF213 (ring finger protein 213; plus strand). Cytogenetic location: 17q25.3.
Variant type: single nucleotide variant.
Coding change: c.5947C>T on transcript NM_001256071.3 (MANE Select); coding-DNA position 5947, C replaced by T.
Protein change: p.Arg1983Trp; replaces arginine 1983 with tryptophan.
Molecular consequence: missense variant.
Genome position (GRCh38, 1-based): chr17:80,340,314, C>T. VCF-style: chr17-80340314-C-T. GRCh37 (hg19) VCF-style: chr17-78314114-C-T.
Other names: short protein forms R1983W.
Identifiers: ClinVar variation 729821 (VCV000729821.15), dbSNP rs116608867, ClinGen allele CA8820393.
Genomic context (GRCh38, chr17:80,340,314, plus strand): 5'-CTGGCAGGTCACTACCGGGTCCCGAAGCAGACCCTGTCGGCGGCAGCCGTGTTCAATGAC[C>T]GGCTGTGTGTTGGGATCGTGGCCTCGGAGCGAGCAGGTGTTGGTAAGGAGAGCGGCAGGG-3'
Protein context (NP_001243000.2, residues 1973-1993): TLSAAAVFND[Arg1983Trp]LCVGIVASER

ClinVar aggregate classification (germline): Conflicting classifications of pathogenicity. Review status: criteria provided, conflicting classifications (1 of 4 stars). 3 submissions from 3 submitters: Uncertain significance (1); Benign (1). 1 of the submissions does not count toward it. Last evaluated 2026-01-07.

Conditions:
RNF213-related disorder. Also called: RNF213-related condition.

Allele frequency attached by ClinVar (database versions not stated): ExAC 0.00071; gnomAD 0.00212 and 0.00198; ESP Exome Variant Server 0.00123; 1000 Genomes Project 0.00379; TOPMed 0.00230; 1000 Genomes Project 30x 0.00328.
gnomAD v4.1: 696 of 1,609,790 alleles (0.043%); highest among the groups gnomAD compares: African/African-American, 0.76%; 3 homozygotes.

Submissions (3):

GeneDx
Classification: Uncertain significance. Last evaluated: 2026-01-07. Review status: criteria provided, single submitter. Criteria: GeneDx Variant Classification Process June 2021. Collection method: clinical testing. Allele origin: germline. Affected: yes.
Comment: Has not been previously published in peer-reviewed literature as pathogenic or benign to our knowledge; In silico analysis supports that this missense variant has a deleterious effect on protein structure/function

Labcorp Genetics (formerly Invitae), Labcorp
Classification: Benign. Last evaluated: 2025-10-17. Review status: criteria provided, single submitter. Criteria: Invitae Variant Classification Sherloc (09022015). Collection method: clinical testing. Allele origin: germline.

PreventionGenetics, part of Exact Sciences
Classification: Likely benign for RNF213-related condition. Last evaluated: 2019-10-16. Review status: no assertion criteria provided. Collection method: clinical testing. Allele origin: germline. Not counted in ClinVar's aggregate classification.
Comment: This variant is classified as likely benign based on ACMG/AMP sequence variant interpretation guidelines (Richards et al. 2015 PMID: 25741868, with internal and published modifications).